The following is an entry in ClinVar:

ClinVar aggregate classification (germline): Likely benign. Review status: criteria provided, multiple submitters, no conflicts (2 of 4 stars). 2 submissions from 2 submitters: Likely benign (2). Last evaluated 2022-03-01.

Conditions:
Inborn genetic diseases. Identifiers: MedGen C0950123, MeSH D030342.

Allele frequency attached by ClinVar (database versions not stated): gnomAD exomes 0.00026 and 0.00052; ExAC 0.00028; TOPMed 0.00032; 1000 Genomes Project 0.00040; gnomAD 0.00042 and 0.00043; ESP Exome Variant Server 0.00056; 1000 Genomes Project 30x 0.00062.
gnomAD v4.1: 823 of 1,612,680 alleles (0.051%); highest among the groups gnomAD compares: Middle Eastern, 0.082%; 1 homozygote.

Submissions (2):

CeGaT Center for Human Genetics Tuebingen
Classification: Likely benign. Last evaluated: 2022-03-01. Review status: criteria provided, single submitter. Criteria: CeGaT Center For Human Genetics Tuebingen Variant Classification Criteria Version 2. Collection method: clinical testing. Allele origin: germline. Affected: yes. Observed: 1 variant allele.
Comment: MAPK8IP3: BS1

Ambry Genetics
Classification: Likely benign for Inborn genetic diseases. Last evaluated: 2021-09-28. Review status: criteria provided, single submitter. Criteria: Ambry Variant Classification Scheme 2023. Collection method: clinical testing. Allele origin: germline.

NM_001318852.2(MAPK8IP3):c.2752G>A (p.Gly918Arg)

Gene: MAPK8IP3 (mitogen-activated protein kinase 8 interacting protein 3; plus strand). Cytogenetic location: 16p13.3.
Variant type: single nucleotide variant.
Coding change: c.2752G>A on transcript NM_001318852.2 (MANE Select); coding-DNA position 2752, G replaced by A.
Protein change: p.Gly918Arg; replaces glycine 918 with arginine.
Molecular consequence: missense variant.
Genome position (GRCh38, 1-based): chr16:1,766,342, G>A. VCF-style: chr16-1766342-G-A. GRCh37 (hg19) VCF-style: chr16-1816343-G-A.
Other names: c.2749G>A (NM_015133.3); c.2731G>A, p.Gly911Arg (NM_001040439.2); c.2749G>A, p.Gly917Arg (NM_015133.5); short protein forms G911R, G917R, G918R.
Identifiers: ClinVar variation 1675602 (VCV001675602.36), dbSNP rs201221610, ClinGen allele CA7817394.